The following is an entry in ClinVar:

NM_022168.4(IFIH1):c.2216_2222del (p.Thr739fs)

Gene: IFIH1 (interferon induced with helicase C domain 1; minus strand). Cytogenetic location: 2q24.2.
Variant type: Deletion.
Coding change: c.2216_2222del on transcript NM_022168.4 (MANE Select); coding-DNA positions 2216 to 2222, 7 bases deleted (CTGAAAA; older notation c.2216_2222delCTGAAAA).
Protein change: p.Thr739fs; shifts the reading frame from threonine 739.
Molecular consequence: frameshift variant.
Genome position (GRCh38, 1-based): chr2:162,276,769-162,276,775, TTTTCAG deleted on the plus strand (CTGAAAA on the coding strand, the reverse complement: IFIH1 is on the minus strand); deleting any 7 consecutive bases within chr2:162,276,769-162,276,776 gives the same sequence; the c. name uses the placement nearest the transcript's 3' end. VCF-style (leftmost placement, unchanged base first): chr2-162276768-ATTTTCAG-A. GRCh37 (hg19) VCF-style: chr2-163133278-ATTTTCAG-A.
Other names: short protein forms T739fs.
Identifiers: ClinVar variation 837605 (VCV000837605.9), dbSNP rs745948096, ClinGen allele CA1934262.

ClinVar aggregate classification (germline): Uncertain significance. Review status: criteria provided, multiple submitters, no conflicts (2 of 4 stars). 3 submissions from 3 submitters: Uncertain significance (3). Last evaluated 2023-11-06.

Conditions:
Singleton-Merten syndrome 1 (SGMRT1). Also called: Widened medullary cavities of bone, aortic calcification, abnormal dentition, and muscular weakness; Syndrome of widened medullary cavities of the metacarpals and phalanges, aortic calcification and abnormal dentition. Identifiers: Orphanet 85191, MedGen C4225427, MONDO:0024535, OMIM 182250.
Aicardi-Goutieres syndrome 7 (AGS7). Identifiers: Orphanet 51, MedGen C3888244, MONDO:0014367, OMIM 615846.
Immunodeficiency 95 (IMD95). Identifiers: MedGen C5676929, MONDO:0030692, OMIM 619773.

Submissions (3):

Labcorp Genetics (formerly Invitae), Labcorp
Classification: Uncertain significance for Aicardi-Goutieres syndrome 7; Singleton-Merten syndrome 1. Last evaluated: 2023-11-06. Review status: criteria provided, single submitter. Criteria: Invitae Variant Classification Sherloc (09022015). Collection method: clinical testing. Allele origin: germline.
Comment: This sequence change creates a premature translational stop signal (p.Thr739Metfs*7) in the IFIH1 gene. It is expected to result in an absent or disrupted protein product. However, the current clinical and genetic evidence is not sufficient to establish whether loss-of-function variants in IFIH1 cause disease. This variant is present in population databases (rs745948096, gnomAD 0.006%). This variant has not been reported in the literature in individuals affected with IFIH1-related conditions. This premature translational stop signal has been observed in at least one individual who was not affected with IFIH1-related conditions (Invitae). ClinVar contains an entry for this variant (Variation ID: 837605). In summary, the available evidence is currently insufficient to determine the role of this variant in disease. Therefore, it has been classified as a Variant of Uncertain Significance.

GeneDx
Classification: Uncertain significance. Last evaluated: 2022-10-25. Review status: criteria provided, single submitter. Criteria: GeneDx Variant Classification Process June 2021. Collection method: clinical testing. Allele origin: germline. Affected: yes.
Comment: Frameshift variant predicted to result in protein truncation or nonsense mediated decay in a gene for which loss-of-function is not a known mechanism of disease; Has not been previously published as pathogenic or benign to our knowledge

Fulgent Genetics
Classification: Uncertain significance for Singleton-Merten syndrome 1; Aicardi-Goutieres syndrome 7; Immunodeficiency 95. Last evaluated: 2021-08-27. Review status: criteria provided, single submitter. Criteria: ACMG Guidelines, 2015. Collection method: clinical testing. Allele origin: unknown.